The following is an entry in ClinVar:

ClinVar aggregate classification (germline): Benign (1 of 4 stars; one submission).

Allele frequency attached by ClinVar (database versions not stated): gnomAD exomes 0.00081; gnomAD 0.00100.
gnomAD v4.1: 1,259 of 1,531,118 alleles (0.082%); highest among the groups gnomAD compares: Middle Eastern, 0.13%; 5 homozygotes.

Submission:

CeGaT Center for Human Genetics Tuebingen
Classification: Benign. Last evaluated: 2024-12-01. Review status: criteria provided, single submitter. Criteria: CeGaT Center For Human Genetics Tuebingen Variant Classification Criteria Version 2. Collection method: clinical testing. Allele origin: germline. Affected: yes. Observed: 2 variant alleles.
Comment: ALK: BS1, BS2

NM_004304.5(ALK):c.3067+89C>G

Gene: ALK (ALK receptor tyrosine kinase; minus strand). Cytogenetic location: 2p23.2.
Variant type: single nucleotide variant.
Coding change: c.3067+89C>G on transcript NM_004304.5 (MANE Select); 89 bases into the intron after coding-DNA position 3067, C replaced by G.
Molecular consequence: intron variant.
Genome position (GRCh38, 1-based): chr2:29,226,833, G>C on the plus strand (C>G on the coding strand, the complement: ALK is on the minus strand). VCF-style: chr2-29226833-G-C. GRCh37 (hg19) VCF-style: chr2-29449699-G-C.
Identifiers: ClinVar variation 2650800 (VCV002650800.24), dbSNP rs778356144, ClinGen allele CA44634236.